The following is an entry in ClinVar:

ClinVar aggregate classification (germline): Uncertain significance. Review status: criteria provided, multiple submitters, no conflicts (2 of 4 stars). 2 submissions from 2 submitters: Uncertain significance (2). Last evaluated 2021-10-01.

Submissions (2):

CeGaT Center for Human Genetics Tuebingen
Classification: Uncertain significance. Last evaluated: 2021-10-01. Review status: criteria provided, single submitter. Criteria: CeGaT Center For Human Genetics Tuebingen Variant Classification Criteria Version 2. Collection method: clinical testing. Allele origin: germline. Affected: yes. Observed: 1 variant allele.

Labcorp Genetics (formerly Invitae), Labcorp
Classification: Uncertain significance. Last evaluated: 2021-07-07. Review status: criteria provided, single submitter. Criteria: Invitae Variant Classification Sherloc (09022015). Collection method: clinical testing. Allele origin: germline.
Comment: This sequence change replaces arginine with threonine at codon 150 of the MFAP5 protein (p.Arg150Thr). The arginine residue is highly conserved and there is a moderate physicochemical difference between arginine and threonine. This variant is not present in population databases (ExAC no frequency). This variant has not been reported in the literature in individuals affected with MFAP5-related conditions. Algorithms developed to predict the effect of missense changes on protein structure and function are either unavailable or do not agree on the potential impact of this missense change (SIFT: "Deleterious"; PolyPhen-2: "Probably Damaging"; Align-GVGD: "Class C0"). In summary, the available evidence is currently insufficient to determine the role of this variant in disease. Therefore, it has been classified as a Variant of Uncertain Significance.

NM_003480.4(MFAP5):c.449G>C (p.Arg150Thr)

Genes: MFAP5 (microfibril associated protein 5; minus strand), LOC126861443 (BRD4-independent group 4 enhancer GRCh37_chr12:8800473-8801672; plus strand). Cytogenetic location: 12p13.31.
Variant type: single nucleotide variant.
Coding change: c.449G>C on transcript NM_003480.4 (MANE Select); coding-DNA position 449, G replaced by C.
Protein change: p.Arg150Thr; replaces arginine 150 with threonine.
Molecular consequence: missense variant. On other transcripts: non-coding transcript variant (2).
Genome position (GRCh38, 1-based): chr12:8,648,164, C>G on the plus strand (G>C on the coding strand, the complement: MFAP5 is on the minus strand). VCF-style: chr12-8648164-C-G. GRCh37 (hg19) VCF-style: chr12-8800760-C-G.
Other names: c.419G>C, p.Arg140Thr (NM_001297709.2); c.383G>C, p.Arg128Thr (NM_001297710.2); c.374G>C, p.Arg125Thr (NM_001297711.2); c.257G>C, p.Arg86Thr (NM_001297712.2); short protein forms R125T, R128T, R140T, R150T, R86T.
Identifiers: ClinVar variation 1335097 (VCV001335097.42), dbSNP rs2136457582, ClinGen allele CA384038724.